The following is an entry in ClinVar:

NM_000181.4(GUSB):c.511G>A (p.Ala171Thr)

Gene: GUSB (glucuronidase beta; minus strand). Cytogenetic location: 7q11.21.
Variant type: single nucleotide variant.
Coding change: c.511G>A on transcript NM_000181.4 (MANE Select); coding-DNA position 511, G replaced by A.
Protein change: p.Ala171Thr; replaces alanine 171 with threonine.
Molecular consequence: missense variant. On other transcripts: non-coding transcript variant (1), intron variant (3).
Genome position (GRCh38, 1-based): chr7:65,979,797, C>T on the plus strand (G>A on the coding strand, the complement: GUSB is on the minus strand). VCF-style: chr7-65979797-C-T. GRCh37 (hg19) VCF-style: chr7-65444784-C-T.
Other names: c.67+427G>A (NM_001293105.2); c.12-256G>A (NM_001293104.2); c.474+37G>A (NM_001284290.2); short protein forms A171T.
Identifiers: ClinVar variation 4686922 (VCV004686922.1).

ClinVar aggregate classification (germline): Uncertain significance (1 of 4 stars; one submission).

Submission:

GeneDx
Classification: Uncertain significance. Last evaluated: 2025-07-24. Review status: criteria provided, single submitter. Criteria: GeneDx Variant Classification Process June 2021. Collection method: clinical testing. Allele origin: germline. Affected: yes.
Comment: Identified in a patient with mucopolysaccharidoses type VII in published literature; however, it was not specified whether this variant was biallelic or present with another GUSB variant (PMID: 40150022); In silico analysis supports that this missense variant has a deleterious effect on protein structure/function; Not observed at significant frequency in large population cohorts (gnomAD); This variant is associated with the following publications: (PMID: 40150022)